The following is an entry in ClinVar:

NM_015374.3(SUN2):c.1972G>A (p.Glu658Lys)

Genes: GTPBP1 (GTP binding protein 1; plus strand), SUN2 (Sad1 and UNC84 domain containing 2; minus strand). Cytogenetic location: 22q13.1.
Variant type: single nucleotide variant.
Coding change: c.1972G>A on transcript NM_015374.3 (MANE Select); coding-DNA position 1972, G replaced by A.
Protein change: p.Glu658Lys; replaces glutamic acid 658 with lysine.
Molecular consequence: missense variant.
Genome position (GRCh38, 1-based): chr22:38,738,241, C>T on the plus strand (G>A on the coding strand, the complement: SUN2 is on the minus strand). VCF-style: chr22-38738241-C-T. GRCh37 (hg19) VCF-style: chr22-39134246-C-T.
Other names: c.1972G>A, p.Glu658Lys (NM_001394432.1, NM_001394433.1, NM_001394434.1 and 3 more transcripts); c.1396G>A, p.Glu466Lys (NM_001394445.1, NM_001394444.1); c.1969G>A, p.Glu657Lys (NM_001394436.1, NM_001394437.1); c.1882G>A, p.Glu628Lys (NM_001394438.1); c.1834G>A, p.Glu612Lys (NM_001394439.1, NM_001394440.1, NM_001394441.1); c.1573G>A, p.Glu525Lys (NM_001394442.1); c.1480G>A, p.Glu494Lys (NM_001394443.1); c.2035G>A, p.Glu679Lys (NM_001199579.2, NM_001394428.1); and 2 more; short protein forms E466K, E628K, E689K, E525K, E658K, E673K, E679K, E494K.
Identifiers: ClinVar variation 1999476 (VCV001999476.4), dbSNP rs2517949866, ClinGen allele CA411583121.

ClinVar aggregate classification (germline): Uncertain significance (1 of 4 stars; one submission).

Conditions:
Emery-Dreifuss muscular dystrophy (EDMD). Also called: Scapuloperoneal syndrome, X-linked (formerly); Humeroperoneal neuromuscular disease, (formerly). Identifiers: Orphanet 261, MedGen C0410189, MONDO:0016830.

Allele frequency attached by ClinVar (database versions not stated): gnomAD exomes below 0.00001.
gnomAD v4.1: 1 of 1,613,914 alleles (0.000062%); highest among the groups gnomAD compares: Non-Finnish European, 0.000085%; no homozygotes.

Submission:

Labcorp Genetics (formerly Invitae), Labcorp
Classification: Uncertain significance for Emery-Dreifuss muscular dystrophy. Last evaluated: 2025-12-01. Review status: criteria provided, single submitter. Criteria: Invitae Variant Classification Sherloc (09022015). Collection method: clinical testing. Allele origin: germline.
Comment: This sequence change replaces glutamic acid, which is acidic and polar, with lysine, which is basic and polar, at codon 658 of the SUN2 protein (p.Glu658Lys). This variant is not present in population databases (gnomAD no frequency). This variant has not been reported in the literature in individuals affected with SUN2-related conditions. ClinVar contains an entry for this variant (Variation ID: 1999476). An algorithm developed to predict the effect of missense changes on protein structure and function (PolyPhen-2) suggests that this variant is likely to be disruptive. In summary, the available evidence is currently insufficient to determine the role of this variant in disease. Therefore, it has been classified as a Variant of Uncertain Significance.